The following is an entry in ClinVar:

ClinVar aggregate classification (germline): Benign. Review status: criteria provided, multiple submitters, no conflicts (2 of 4 stars). 4 submissions from 4 submitters: Benign (3). 1 of the submissions does not count toward it. Last evaluated 2021-09-05.

Conditions:
NUP188-related disorder. Also called: NUP188-related condition.
Sandestig-stefanova syndrome. Identifiers: MedGen C5394118, MONDO:0032926, OMIM 618804.

Allele frequency attached by ClinVar (database versions not stated): 1000 Genomes Project 30x 0.27498; 1000 Genomes Project 0.27915; ESP Exome Variant Server 0.29571; TOPMed 0.30268; gnomAD 0.30828 and 0.31086; ExAC 0.35673; gnomAD exomes 0.36098 and 0.38241.
gnomAD v4.1: 603,964 of 1,611,356 alleles (37%); highest among the groups gnomAD compares: Admixed American, 42%; 117,674 homozygotes.

Submissions (4):

Genome-Nilou Lab
Classification: Benign for Sandestig-stefanova syndrome. Last evaluated: 2021-09-05. Review status: criteria provided, single submitter. Criteria: ACMG Guidelines, 2015. Collection method: clinical testing. Allele origin: germline. Affected: no.

Laboratory for Molecular Medicine, Mass General Brigham Personalized Medicine
Classification: Benign. Last evaluated: 2016-03-29. Review status: criteria provided, single submitter. Criteria: LMM Criteria. Collection method: clinical testing. Allele origin: germline.
Comment: Variant identified in a genome or exome case(s) and assessed due to predicted null impact of the variant or pathogenic assertions in the literature or databases. Disclaimer: This variant has not undergone full assessment. The following are preliminary notes: Frequency

Breakthrough Genomics
Classification: Benign. Review status: criteria provided, single submitter. Criteria: ACMG Guidelines, 2015. Collection method: not provided. Allele origin: germline. Inheritance: Autosomal recessive inheritance. Affected: yes.

PreventionGenetics, part of Exact Sciences
Classification: Benign for NUP188-related condition. Last evaluated: 2019-10-17. Review status: no assertion criteria provided. Collection method: clinical testing. Allele origin: germline. Not counted in ClinVar's aggregate classification.
Comment: This variant is classified as benign based on ACMG/AMP sequence variant interpretation guidelines (Richards et al. 2015 PMID: 25741868, with internal and published modifications).

NM_015354.3(NUP188):c.3662-4A>G

Gene: NUP188 (nucleoporin 188; plus strand). Cytogenetic location: 9q34.11.
Variant type: single nucleotide variant.
Coding change: c.3662-4A>G on transcript NM_015354.3 (MANE Select); 4 bases into the intron before coding-DNA position 3662, A replaced by G.
Molecular consequence: intron variant.
Genome position (GRCh38, 1-based): chr9:128,999,620, A>G. VCF-style: chr9-128999620-A-G. GRCh37 (hg19) VCF-style: chr9-131761899-A-G.
Identifiers: ClinVar variation 403264 (VCV000403264.9), dbSNP rs2302811, ClinGen allele CA5273040.